The following is an entry in ClinVar:

NM_001135998.3(NDUFB11):c.361G>A (p.Glu121Lys)

Gene: NDUFB11 (NADH:ubiquinone oxidoreductase subunit B11; minus strand). Cytogenetic location: Xp11.3.
Variant type: single nucleotide variant.
Coding change: c.361G>A on transcript NM_001135998.3 (MANE Select); coding-DNA position 361, G replaced by A.
Protein change: p.Glu121Lys; replaces glutamic acid 121 with lysine.
Molecular consequence: missense variant.
Genome position (GRCh38, 1-based): chrX:47,142,418, C>T on the plus strand (G>A on the coding strand, the complement: NDUFB11 is on the minus strand). VCF-style: chrX-47142418-C-T. GRCh37 (hg19) VCF-style: chrX-47001817-C-T.
Other names: c.391G>A, p.Glu131Lys (NM_019056.7); short protein forms E121K, E131K.
Identifiers: ClinVar variation 372149 (VCV000372149.13), dbSNP rs1057519073, ClinGen allele CA16042217.

ClinVar aggregate classification (germline): Pathogenic/Likely pathogenic. Review status: criteria provided, multiple submitters, no conflicts (2 of 4 stars). 6 submissions from 6 submitters: Pathogenic (3); Likely pathogenic (2). 1 of the submissions does not count toward it. Last evaluated 2024-09-02.

Conditions:
NDUFB11-related disorders. Also called: NDUFB11-related condition; NDUFB11-related disorder. Identifiers: MedGen CN378754, MONDO:1040023.
Mitochondrial complex I deficiency, nuclear type 30. Also called: Mitochondrial complex 1 deficiency, nuclear type 30. Identifiers: MedGen C4746985, MONDO:0026721, OMIM 301021.
Linear skin defects with multiple congenital anomalies 3 (LSDMCA3). Also called: LINEAR SKIN DEFECTS WITH CARDIOMYOPATHY AND OTHER CONGENITAL ANOMALIES. Identifiers: Orphanet 2556, MedGen C4225421, MONDO:0010494, OMIM 300952.

Submissions (6):

Blueprint Genetics
Classification: Pathogenic for NDUFB11-related disorders. Last evaluated: 2024-09-02. Review status: criteria provided, single submitter. Criteria: ACMG Guidelines, 2015. Collection method: clinical testing. Allele origin: germline. Affected: yes. Observed: 3 variant alleles.

Fulgent Genetics
Classification: Likely pathogenic for Linear skin defects with multiple congenital anomalies 3; Mitochondrial complex I deficiency, nuclear type 30. Last evaluated: 2024-01-17. Review status: criteria provided, single submitter. Criteria: ACMG Guidelines, 2015. Collection method: clinical testing. Allele origin: germline.

Labcorp Genetics (formerly Invitae), Labcorp
Classification: Pathogenic. Last evaluated: 2023-10-05. Review status: criteria provided, single submitter. Criteria: Invitae Variant Classification Sherloc (09022015). Collection method: clinical testing. Allele origin: germline.
Comment: This sequence change replaces glutamic acid, which is acidic and polar, with lysine, which is basic and polar, at codon 131 of the NDUFB11 protein (p.Glu131Lys). This variant is not present in population databases (gnomAD no frequency). This missense change has been observed in individual(s) with clinical features of NDUFB11-related conditions (PMID: 26741492, 31243186, 36252119). In at least one individual the variant was observed to be de novo. This variant is also known as p.E121K. ClinVar contains an entry for this variant (Variation ID: 372149). An algorithm developed to predict the effect of missense changes on protein structure and function (PolyPhen-2) suggests that this variant is likely to be disruptive. Experimental studies have shown that this missense change affects NDUFB11 function (PMID: 26741492). For these reasons, this variant has been classified as Pathogenic.

GeneDx
Classification: Pathogenic. Last evaluated: 2023-05-07. Review status: criteria provided, single submitter. Criteria: GeneDx Variant Classification Process June 2021. Collection method: clinical testing. Allele origin: germline. Affected: yes.
Comment: Not observed at significant frequency in large population cohorts (gnomAD); In silico analysis supports that this missense variant has a deleterious effect on protein structure/function; This variant is associated with the following publications: (PMID: 25772934, 26741492, 31243186, 28050600, 30423443, 27488349, 36675256, 33233646, 31332208)

Victorian Clinical Genetics Services, Murdoch Childrens Research Institute
Classification: Likely pathogenic for Linear skin defects with multiple congenital anomalies 3. Last evaluated: 2022-02-02. Review status: criteria provided, single submitter. Criteria: ACMG Guidelines, 2015. Collection method: clinical testing. Allele origin: germline. Inheritance: X-linked dominant inheritance.
Comment: Based on the classification scheme VCGS_Germline_v1.3.4, this variant is classified as Likely Pathogenic. Following criteria are met: 0102 - Loss of function is a known mechanism of disease in this gene and is associated with X-linked dominant linear skin defects with multiple congenital anomalies 3 (MIM#300952) and X-linked recessive nuclear type 30 mitochondrial complex I deficiency (MIM#301021). Affected females have been reported with heterozygous null alleles, whereas affected males have only been identified with missense and single residue in-frame deletions, suggesting that some residual enzyme activity is required for males to be viable, whereas complete loss of function variants may be lethal when hemizygous (PMID: 30423443). (I) 0110 - This gene is associated with X-linked disease. (I) 0112 - The condition associated with this gene has incomplete penetrance. Affected females have previously been reported to inherit pathogenic variants from their unaffected mothers. It has been suggested that this may be due to patterns of somatic X-chromosome inactivation, mosaicism or additional genetic and external factors (PMID: 28050600). (I) 0115 - Variants in this gene are known to have variable expressivity. Variable syndromic features have been observed in affected individuals. However, anaemia and cardiomyopathy appear to be consistent features in males and females, respectively (PMID: 28050600, PMID: 30423443, PMID: 27488349). (I) 0200 - Variant is predicted to result in a missense amino acid change from glutamic acid to lysine. (I) 0251 - This variant is heterozygous. (I) 0301 - Variant is absent from gnomAD (both v2 and v3). (SP) 0501 - Missense variant consistently predicted to be damaging by multiple in silico tools or highly conserved with a major amino acid change. (SP) 0600 - Variant is located in the annotated ESSS subunit of NADH:ubiquinone oxidoreductase (complex I) (NCBI). (I) 0705 - No comparable missense variants have previous evidence for pathogenicity. (I) 0802 - This variant has moderate previous evidence of pathogenicity in unrelated individuals. Additionally, the variant has been observed in a mother and daughter affected with left ventricular noncompaction (PMID: 31243186); it was not considered to be causative as they did not present with a metabolic disorder, however, the mitochondrial features of NDUFB11-related disease are known to only present in hemizygous males (PMID: 25772934, PMID: 30423443). (SP) 1001 - This variant has strong functional evidence supporting abnormal protein function. Western blots using patient fibroblasts demonstrated no detectable NDUFB11 protein, consistent with a complete loss of function (PMID: 26741492). (SP) 1207 - Parental origin of the variant is unresolved. (I) Legend: (SP) - Supporting pathogenic, (I) - Information, (SB) - Supporting benign

OMIM
Classification: Pathogenic for MITOCHONDRIAL COMPLEX I DEFICIENCY, NUCLEAR TYPE 30 (1 patient). Last evaluated: 2018-12-13. Review status: no assertion criteria provided. Collection method: literature only. Allele origin: germline. Not counted in ClinVar's aggregate classification.

Literature cited by the submitters: PubMed 26741492 (cited by 3 submitters); PubMed 31243186 (cited by Labcorp Genetics (formerly Invitae), Labcorp and Victorian Clinical Genetics Services, Murdoch Childrens Research Institute); PubMed 36252119 (cited by Labcorp Genetics (formerly Invitae), Labcorp); PubMed 25772934 (cited by Victorian Clinical Genetics Services, Murdoch Childrens Research Institute); PubMed 27488349 (cited by Victorian Clinical Genetics Services, Murdoch Childrens Research Institute); PubMed 28050600 (cited by Victorian Clinical Genetics Services, Murdoch Childrens Research Institute); PubMed 30423443 (cited by Victorian Clinical Genetics Services, Murdoch Childrens Research Institute).